The following is an entry in ClinVar:

NM_001199107.2(TBC1D24):c.965+4G>C

Gene: TBC1D24 (TBC1 domain family member 24; plus strand). Cytogenetic location: 16p13.3.
Variant type: single nucleotide variant.
Coding change: c.965+4G>C on transcript NM_001199107.2 (MANE Select); 4 bases into the intron after coding-DNA position 965, G replaced by C.
Molecular consequence: intron variant.
Genome position (GRCh38, 1-based): chr16:2,497,117, G>C. VCF-style: chr16-2497117-G-C. GRCh37 (hg19) VCF-style: chr16-2547118-G-C.
Other names: c.965+4G>C (NM_020705.3).
Identifiers: ClinVar variation 1350283 (VCV001350283.6), dbSNP rs781629915, ClinGen allele CA2573152004.
Genomic context (GRCh38, chr16:2,497,117, plus strand): 5'-GCAGATGGCCAATGAGAAAGCCCTGAAGCAGAAGGGCATCACCGTGAAGCAGAAGAGGTA[G>C]GTCGCCGGCAGCCTGTGAGGGGTACACCCAGGGTCGGGGGCTGGGGCAGGACGTGTCTGG-3'

ClinVar aggregate classification (germline): Uncertain significance (1 of 4 stars; one submission).

Conditions:
Developmental and epileptic encephalopathy, 1 (DEE1). Also called: X-linked infantile spasms; West's syndrome; Tonic spasms with clustering, arrest of psychomotor development and hypsarrhythmia on EEG; X-Linked Infantile Spasm Syndrome; OHTAHARA SYNDROME, X-LINKED; INFANTILE SPASM SYNDROME, X-LINKED 1. Identifiers: MedGen C3463992, MONDO:0010632, OMIM 308350. Disease mechanism: loss of function.
Autosomal dominant nonsyndromic hearing loss 65. Also called: TBC1D24-Related Autosomal Dominant Nonsyndromic Hearing Loss (DFNA); Deafness, autosomal dominant 65. Identifiers: Orphanet 90635, MedGen C3892048, MONDO:0014470, OMIM 616044.

Submission:

Labcorp Genetics (formerly Invitae), Labcorp
Classification: Uncertain significance for Developmental and epileptic encephalopathy, 1; Autosomal dominant nonsyndromic hearing loss 65. Last evaluated: 2024-01-19. Review status: criteria provided, single submitter. Criteria: Invitae Variant Classification Sherloc (09022015). Collection method: clinical testing. Allele origin: germline.
Comment: This sequence change falls in intron 2 of the TBC1D24 gene. It does not directly change the encoded amino acid sequence of the TBC1D24 protein. It affects a nucleotide within the consensus splice site. This variant is not present in population databases (gnomAD no frequency). This variant has not been reported in the literature in individuals affected with TBC1D24-related conditions. ClinVar contains an entry for this variant (Variation ID: 1350283). Variants that disrupt the consensus splice site are a relatively common cause of aberrant splicing (PMID: 17576681, 9536098). Algorithms developed to predict the effect of sequence changes on RNA splicing suggest that this variant is not likely to affect RNA splicing. In summary, the available evidence is currently insufficient to determine the role of this variant in disease. Therefore, it has been classified as a Variant of Uncertain Significance.

Literature cited by the submitters: PubMed 17576681; PubMed 9536098.